The following is an entry in ClinVar:

ClinVar aggregate classification (germline): Uncertain significance (1 of 4 stars; one submission).

Submission:

Labcorp Genetics (formerly Invitae), Labcorp
Classification: Uncertain significance. Last evaluated: 2022-06-13. Review status: criteria provided, single submitter. Criteria: Invitae Variant Classification Sherloc (09022015). Collection method: clinical testing. Allele origin: germline.
Comment: In summary, the available evidence is currently insufficient to determine the role of this variant in disease. Therefore, it has been classified as a Variant of Uncertain Significance. Algorithms developed to predict the effect of missense changes on protein structure and function (SIFT, PolyPhen-2, Align-GVGD) all suggest that this variant is likely to be tolerated. This variant has not been reported in the literature in individuals affected with RDH11-related conditions. This variant is not present in population databases (gnomAD no frequency). This sequence change replaces valine, which is neutral and non-polar, with leucine, which is neutral and non-polar, at codon 240 of the RDH11 protein (p.Val240Leu).

NM_016026.4(RDH11):c.718G>C (p.Val240Leu)

Genes: GPHN (gephyrin; plus strand), RDH11 (retinol dehydrogenase 11; minus strand). Cytogenetic location: 14q24.1.
Variant type: single nucleotide variant.
Coding change: c.718G>C on transcript NM_016026.4 (MANE Select); coding-DNA position 718, G replaced by C.
Protein change: p.Val240Leu; replaces valine 240 with leucine.
Molecular consequence: missense variant.
Genome position (GRCh38, 1-based): chr14:67,685,151, C>G on the plus strand (G>C on the coding strand, the complement: RDH11 is on the minus strand). VCF-style: chr14-67685151-C-G. GRCh37 (hg19) VCF-style: chr14-68151868-C-G.
Other names: c.508G>C, p.Val170Leu (NM_001252650.2); short protein forms V170L, V240L.
Identifiers: ClinVar variation 1351403 (VCV001351403.8), dbSNP rs2140064835, ClinGen allele CA390131265.